The following is an entry in ClinVar:

NM_021784.5(FOXA2):c.862G>A (p.Ala288Thr)

Gene: FOXA2 (forkhead box A2; minus strand). Cytogenetic location: 20p11.21.
Variant type: single nucleotide variant.
Coding change: c.862G>A on transcript NM_021784.5 (MANE Select); coding-DNA position 862, G replaced by A.
Protein change: p.Ala288Thr; replaces alanine 288 with threonine.
Molecular consequence: missense variant.
Genome position (GRCh38, 1-based): chr20:22,582,380, C>T on the plus strand (G>A on the coding strand, the complement: FOXA2 is on the minus strand). VCF-style: chr20-22582380-C-T. GRCh37 (hg19) VCF-style: chr20-22563018-C-T.
Other names: c.844G>A, p.Ala282Thr (NM_153675.3); short protein forms A282T, A288T.
Identifiers: ClinVar variation 4807626 (VCV004807626.1).

ClinVar aggregate classification (germline): Uncertain significance (1 of 4 stars; one submission).

gnomAD v4.1: 5 of 1,534,052 alleles (0.00033%); highest among the groups gnomAD compares: South Asian, 0.0064%; no homozygotes.

Submission:

Labcorp Genetics (formerly Invitae), Labcorp
Classification: Uncertain significance. Last evaluated: 2025-05-02. Review status: criteria provided, single submitter. Criteria: Invitae Variant Classification Sherloc (09022015). Collection method: clinical testing. Allele origin: germline.
Comment: This sequence change replaces alanine, which is neutral and non-polar, with threonine, which is neutral and polar, at codon 288 of the FOXA2 protein (p.Ala288Thr). This variant is present in population databases (rs763384130, gnomAD 0.02%). This variant has not been reported in the literature in individuals affected with FOXA2-related conditions. An algorithm developed to predict the effect of missense changes on protein structure and function outputs the following: PolyPhen-2: "Benign". The threonine amino acid residue is found in multiple mammalian species, which suggests that this missense change does not adversely affect protein function. In summary, the available evidence is currently insufficient to determine the role of this variant in disease. Therefore, it has been classified as a Variant of Uncertain Significance.